The following is an entry in ClinVar:

NM_000169.3(GLA):c.128del (p.Gly43fs)

Genes: GLA (galactosidase alpha; minus strand), RPL36A-HNRNPH2 (RPL36A-HNRNPH2 readthrough; plus strand). Cytogenetic location: Xq22.1.
Variant type: Deletion.
Coding change: c.128del on transcript NM_000169.3 (MANE Select); coding-DNA position 128, one base deleted (G; older notation c.128delG).
Protein change: p.Gly43fs; shifts the reading frame from glycine 43.
Molecular consequence: frameshift variant. On other transcripts: non-coding transcript variant (3), intron variant (2).
Genome position (GRCh38, 1-based): chrX:101,407,776, C deleted on the plus strand (G on the coding strand, the reverse complement: GLA is on the minus strand); the first of 3 consecutive C bases (chrX:101,407,776-101,407,778); deleting any one gives the same sequence. VCF-style (leftmost placement, unchanged base first): chrX-101407775-GC-G. GRCh37 (hg19) VCF-style: chrX-100662763-GC-G.
Other names: c.128del, p.Gly43fs (NM_001406747.1, NM_001406748.1, NM_001406749.1); c.301-4158del (NM_001199973.2); c.178-4158del (NM_001199974.2); short protein forms G43fs.
Identifiers: ClinVar variation 167144 (VCV000167144.18), dbSNP rs797044500, ClinGen allele CA273346.

ClinVar aggregate classification (germline): Pathogenic/Likely pathogenic. Review status: criteria provided, multiple submitters, no conflicts (2 of 4 stars). 5 submissions from 5 submitters: Pathogenic (4); Likely pathogenic (1). Last evaluated 2021-12-25.

Conditions:
Fabry disease. Also called: Fabry's disease; HEREDITARY DYSTOPIC LIPIDOSIS; Angiokeratoma corporis diffusum; ALPHA-GALACTOSIDASE A DEFICIENCY; ANDERSON-FABRY DISEASE; CERAMIDE TRIHEXOSIDASE DEFICIENCY. Identifiers: Orphanet 324, MedGen C0002986, MONDO:0010526, OMIM 301500, HP:0001071. Disease mechanism: Fabry disease is due to inactivating mutations in the X-linked GLA gene resulting in deficiency of the enzyme Alpha Galactosidase-A., loss of function.

Submissions (5):

Labcorp Genetics (formerly Invitae), Labcorp
Classification: Pathogenic for Fabry disease. Last evaluated: 2021-12-25. Review status: criteria provided, single submitter. Criteria: Invitae Variant Classification Sherloc (09022015). Collection method: clinical testing. Allele origin: germline.
Comment: ClinVar contains an entry for this variant (Variation ID: 167144). For these reasons, this variant has been classified as Pathogenic. This variant has not been reported in the literature in individuals affected with GLA-related conditions. This sequence change creates a premature translational stop signal (p.Gly43Alafs*78) in the GLA gene. It is expected to result in an absent or disrupted protein product. Loss-of-function variants in GLA are known to be pathogenic (PMID: 10666480, 12175777). This variant is not present in population databases (gnomAD no frequency).

Revvity Omics, Revvity
Classification: Pathogenic. Last evaluated: 2021-09-02. Review status: criteria provided, single submitter. Criteria: ACMG Guidelines, 2015. Collection method: clinical testing. Allele origin: germline.

Genome-Nilou Lab
Classification: Pathogenic for Fabry disease. Last evaluated: 2021-07-15. Review status: criteria provided, single submitter. Criteria: ACMG Guidelines, 2015. Collection method: clinical testing. Allele origin: germline. Affected: no.

Women's Health and Genetics/Laboratory Corporation of America, LabCorp
Classification: Likely pathogenic for Fabry disease. Last evaluated: 2019-10-22. Review status: criteria provided, single submitter. Criteria: LabCorp Variant Classification Summary - May 2015. Collection method: clinical testing. Allele origin: germline.
Comment: Variant summary: GLA c.128delG (p.Gly43AlafsX78) results in a premature termination codon, predicted to cause a truncation of the encoded protein or absence of the protein due to nonsense mediated decay, which are commonly known mechanisms for disease. Truncations downstream of this position have been classified as pathogenic by our laboratory. The variant was absent in 183430 control chromosomes (gnomAD). To our knowledge, no occurrence of c.128delG in individuals affected with Fabry Disease and no experimental evidence demonstrating its impact on protein function have been reported. No clinical diagnostic laboratories have submitted clinical-significance assessments for this variant to ClinVar after 2014. Based on the evidence outlined above, the variant was classified as likely pathogenic.

Eurofins Ntd Llc (ga)
Classification: Pathogenic. Last evaluated: 2014-02-26. Review status: criteria provided, single submitter. Criteria: EGL Classification Definitions 2015. Collection method: clinical testing. Allele origin: germline. Observed: 8 variant alleles, 5 heterozygotes, 3 hemizygotes.

Literature cited by the submitters: PubMed 10666480 (cited by Labcorp Genetics (formerly Invitae), Labcorp); PubMed 12175777 (cited by Labcorp Genetics (formerly Invitae), Labcorp).